The following is an entry in ClinVar:

NM_001377.3(DYNC2H1):c.4696C>G (p.Gln1566Glu)

Gene: DYNC2H1 (dynein cytoplasmic 2 heavy chain 1; plus strand). Cytogenetic location: 11q22.3.
Variant type: single nucleotide variant.
Coding change: c.4696C>G on transcript NM_001377.3 (MANE Select); coding-DNA position 4696, C replaced by G.
Protein change: p.Gln1566Glu; replaces glutamine 1566 with glutamic acid.
Molecular consequence: missense variant.
Genome position (GRCh38, 1-based): chr11:103,165,982, C>G. VCF-style: chr11-103165982-C-G. GRCh37 (hg19) VCF-style: chr11-103036711-C-G.
Other names: c.4696C>G, p.Gln1566Glu (NM_001080463.2); short protein forms Q1566E.
Identifiers: ClinVar variation 1997142 (VCV001997142.4), dbSNP rs2497113058, ClinGen allele CA382239499.
Genomic context (GRCh38, chr11:103,165,982, plus strand): 5'-AAATTCACTGAAGATGTAGAAAATGCTATTAAAGATCATAGTCTTCATCAGATTGAAACA[C>G]AACTGGTGAATAAGTTAGAGCAATATACTAACATTGATACAAGTTCTGAGGATCCAGGGA-3'
Protein context (NP_001368.2, residues 1556-1576): KDHSLHQIET[Gln1566Glu]LVNKLEQYTN

ClinVar aggregate classification (germline): Uncertain significance (1 of 4 stars; one submission).

Conditions:
Jeune thoracic dystrophy. Also called: Jeune syndrome; Infantile thoracic dystrophy; Thoracic pelvic phalangeal dystrophy; Jeune's syndrome; Chondroectodermal dysplasia-like syndrome; Short-rib thoracic dysplasia. Identifiers: Orphanet 474, MedGen C0265275, MONDO:0018770.

Submission:

Labcorp Genetics (formerly Invitae), Labcorp
Classification: Uncertain significance for Jeune thoracic dystrophy. Last evaluated: 2022-05-20. Review status: criteria provided, single submitter. Criteria: Invitae Variant Classification Sherloc (09022015). Collection method: clinical testing. Allele origin: germline.
Comment: In summary, the available evidence is currently insufficient to determine the role of this variant in disease. Therefore, it has been classified as a Variant of Uncertain Significance. Advanced modeling of protein sequence and biophysical properties (such as structural, functional, and spatial information, amino acid conservation, physicochemical variation, residue mobility, and thermodynamic stability) performed at Invitae indicates that this missense variant is not expected to disrupt DYNC2H1 protein function. This variant has not been reported in the literature in individuals affected with DYNC2H1-related conditions. This variant is not present in population databases (gnomAD no frequency). This sequence change replaces glutamine, which is neutral and polar, with glutamic acid, which is acidic and polar, at codon 1566 of the DYNC2H1 protein (p.Gln1566Glu).